The following is an entry in ClinVar:

NM_004035.7(ACOX1):c.1523A>G (p.His508Arg)

Gene: ACOX1 (acyl-CoA oxidase 1; minus strand). Cytogenetic location: 17q25.1.
Variant type: single nucleotide variant.
Coding change: c.1523A>G on transcript NM_004035.7 (MANE Select); coding-DNA position 1523, A replaced by G.
Protein change: p.His508Arg; replaces histidine 508 with arginine.
Molecular consequence: missense variant.
Genome position (GRCh38, 1-based): chr17:75,949,556, T>C on the plus strand (A>G on the coding strand, the complement: ACOX1 is on the minus strand). VCF-style: chr17-75949556-T-C. GRCh37 (hg19) VCF-style: chr17-73945637-T-C.
Other names: c.1409A>G, p.His470Arg (NM_001185039.2); c.1523A>G, p.His508Arg (NM_007292.6); short protein forms H470R, H508R.
Identifiers: ClinVar variation 3607531 (VCV003607531.2).

ClinVar aggregate classification (germline): Uncertain significance (1 of 4 stars; one submission).

Conditions:
Acyl-CoA oxidase deficiency. Also called: Peroxisomal acyl-CoA oxidase deficiency; STRAIGHT-CHAIN ACYL-CoA OXIDASE DEFICIENCY; Pseudoneonatal adrenoleukodystrophy. Identifiers: Orphanet 2971, MedGen C1849678, MONDO:0009919, OMIM 264470. Disease mechanism: loss of function.

gnomAD v4.1: 1 of 1,614,210 alleles (0.000062%); highest among the groups gnomAD compares: Non-Finnish European, 0.000085%; no homozygotes.

Submission:

Labcorp Genetics (formerly Invitae), Labcorp
Classification: Uncertain significance for Acyl-CoA oxidase deficiency. Last evaluated: 2024-03-22. Review status: criteria provided, single submitter. Criteria: Invitae Variant Classification Sherloc (09022015). Collection method: clinical testing. Allele origin: germline.
Comment: This sequence change replaces histidine, which is basic and polar, with arginine, which is basic and polar, at codon 508 of the ACOX1 protein (p.His508Arg). This variant is not present in population databases (gnomAD no frequency). This variant has not been reported in the literature in individuals affected with ACOX1-related conditions. Advanced modeling of protein sequence and biophysical properties (such as structural, functional, and spatial information, amino acid conservation, physicochemical variation, residue mobility, and thermodynamic stability) performed at Invitae indicates that this missense variant is not expected to disrupt ACOX1 protein function with a negative predictive value of 80%. In summary, the available evidence is currently insufficient to determine the role of this variant in disease. Therefore, it has been classified as a Variant of Uncertain Significance.